The following is an entry in ClinVar:

ClinVar aggregate classification (germline): Uncertain significance. Review status: reviewed by expert panel (3 of 4 stars). 2 submissions from 2 submitters: Uncertain significance (1). 1 of the submissions does not count toward it. Last evaluated 2024-12-20.

Conditions:
Hereditary antithrombin deficiency (AT3D). Also called: Antithrombin III deficiency; Antithrombin deficiency; Thrombophilia due to antithrombin III deficiency; Reduced antithrombin III activity. Identifiers: Orphanet 82, MedGen C0272375, MONDO:0013144, OMIM 613118, HP:0001976.

Submissions (2):

Clingen Thrombosis Variant Curation Expert Panel, ClinGen
Classification: Uncertain significance for Hereditary antithrombin deficiency. Last evaluated: 2024-12-20. Review status: reviewed by expert panel. Criteria: ClinGen ACMG Specifications SERPINC1 V1.0.0. Collection method: curation. Allele origin: germline. Inheritance: Autosomal dominant inheritance.
Comment: The c.1271G>A variant in SERPINC1 is a missense variant predicted to cause substitution of glycine by aspartic acid at amino acid 424 (p.Gly424Asp). This variant has been reported in one family meeting an antithrombin activity level of < 0.8 IU/mL and a family history of reported abnormal antithrombin levels (PS4_Supporting; PMID:1547341). The computational predictor REVEL gives a score of 0.635, which is above the threshold of 0.6, evidence that correlates with impact to SERPINC1 function (PP3). This variant is absent from gnomAD v4.1.0 (PM2_Supporting). In summary, this variant meets the criteria to be classified as uncertain significance due to insufficient evidence for autosomal dominant hereditary antithrombin deficiency based on the ACMG/AMP criteria applied, as specified by the ClinGen Thrombosis VCEP: PP3, PM2_Supporting, PS4_Supporting.

OMIM
Classification: Pathogenic for THROMBOPHILIA DUE TO ANTITHROMBIN III DEFICIENCY. Last evaluated: 1992-11-01. Review status: no assertion criteria provided. Collection method: literature only. Allele origin: germline. Not counted in ClinVar's aggregate classification.

Literature cited by the submitters: PubMed 1421387 (cited by OMIM).

NM_000488.4(SERPINC1):c.1271G>A (p.Gly424Asp)

Gene: SERPINC1 (serpin family C member 1; minus strand). Cytogenetic location: 1q25.1.
Variant type: single nucleotide variant.
Coding change: c.1271G>A on transcript NM_000488.4 (MANE Select); coding-DNA position 1271, G replaced by A.
Protein change: p.Gly424Asp; replaces glycine 424 with aspartic acid.
Molecular consequence: missense variant.
Genome position (GRCh38, 1-based): chr1:173,904,013, C>T on the plus strand (G>A on the coding strand, the complement: SERPINC1 is on the minus strand). VCF-style: chr1-173904013-C-T. GRCh37 (hg19) VCF-style: chr1-173873151-C-T.
Other names: G392D; NM_000488.4(SERPINC1):c.1271G>A; c.1127G>A, p.Gly376Asp (NM_001365052.2); c.1394G>A, p.Gly465Asp (NM_001386302.1); c.1352G>A, p.Gly451Asp (NM_001386303.1); c.1250G>A, p.Gly417Asp (NM_001386304.1); c.1214G>A, p.Gly405Asp (NM_001386305.1); c.1055G>A, p.Gly352Asp (NM_001386306.1); short protein forms G424D, G376D, G352D, G405D, G417D, G451D, G465D.
Identifiers: ClinVar variation 18033 (VCV000018033.2), dbSNP rs121909566, ClinGen allele CA210785.
Genomic context (GRCh38, chr1:173,904,013, plus strand): 5'-ATAAAAACCAGGAAAGGCCTGTTGGCCTTGAAAGTCACCCTGTTGGGGTTTAGCGAACGG[C>T]CAGCAATCACAACAGCGGTACTTGCAGCTGCTTCACTGCCTTCTTCATTTACCTGCAGGT-3'
Protein context (NP_000479.1, residues 414-434): AAASTAVVIA[Gly424Asp]RSLNPNRVTF